The following is an entry in ClinVar:

ClinVar aggregate classification (germline): Likely benign (1 of 4 stars; one submission).

gnomAD v4.1: 2 of 1,614,226 alleles (0.00012%); highest among the groups gnomAD compares: Admixed American, 0.0033%; no homozygotes.

Submission:

CeGaT Center for Human Genetics Tuebingen
Classification: Likely benign. Last evaluated: 2026-07-01. Review status: criteria provided, single submitter. Criteria: CeGaT Center For Human Genetics Tuebingen Variant Classification Criteria Version 2. Collection method: clinical testing. Allele origin: germline. Affected: yes. Observed: 1 variant allele.
Comment: DHX30: BP4, BP7

NM_138615.3(DHX30):c.432T>C (p.Asp144=)

Gene: DHX30 (DExH-box helicase 30; plus strand). Cytogenetic location: 3p21.31.
Variant type: single nucleotide variant.
Coding change: c.432T>C on transcript NM_138615.3 (MANE Select); coding-DNA position 432, T replaced by C.
Protein change: p.Asp144=; no amino-acid change (aspartic acid 144 retained).
Molecular consequence: synonymous variant.
Genome position (GRCh38, 1-based): chr3:47,840,942, T>C. VCF-style: chr3-47840942-T-C. GRCh37 (hg19) VCF-style: chr3-47882432-T-C.
Other names: c.348T>C, p.Asp116= (NM_001330990.2); c.315T>C, p.Asp105= (NM_014966.4).
Identifiers: ClinVar variation 5040481 (VCV005040481.1).